The following is an entry in ClinVar:

ClinVar aggregate classification (germline): Uncertain significance. Review status: criteria provided, multiple submitters, no conflicts (2 of 4 stars). 3 submissions from 3 submitters: Uncertain significance (2). 1 of the submissions does not count toward it. Last evaluated 2026-04-29.

Conditions:
NR2E3-related disorder. Also called: NR2E3-related disorders; NR2E3-related condition. Identifiers: MedGen CN239387.
Goldmann-Favre syndrome. Identifiers: Orphanet 53540, MedGen C0339541, MONDO:0100289.

Allele frequency attached by ClinVar (database versions not stated): ExAC below 0.00001; gnomAD exomes 0.00001 and 0.00003; gnomAD 0.00002; TOPMed 0.00002; ESP Exome Variant Server 0.00009.
gnomAD v4.1: 42 of 1,552,810 alleles (0.0027%); highest among the groups gnomAD compares: Non-Finnish European, 0.0035%; no homozygotes.

Submissions (3):

PreventionGenetics, part of Exact Sciences
Classification: Uncertain significance for NR2E3-related condition. Last evaluated: 2026-04-29. Review status: criteria provided, single submitter. Criteria: ACMG Guidelines, 2015. Collection method: clinical testing. Allele origin: germline.
Comment: The NR2E3 c.463C>T variant is predicted to result in the amino acid substitution p.Arg155Cys. To our knowledge, this variant has not been reported in the literature. This variant is reported in 0.0026% of alleles in individuals of European (Non-Finnish) descent in gnomAD. At this time, the clinical significance of this variant is uncertain due to the absence of conclusive functional and genetic evidence.

Labcorp Genetics (formerly Invitae), Labcorp
Classification: Uncertain significance. Last evaluated: 2025-10-16. Review status: criteria provided, single submitter. Criteria: Invitae Variant Classification Sherloc (09022015). Collection method: clinical testing. Allele origin: germline.
Comment: This sequence change replaces arginine, which is basic and polar, with cysteine, which is neutral and slightly polar, at codon 155 of the NR2E3 protein (p.Arg155Cys). This variant is present in population databases (rs376858072, gnomAD 0.003%). This variant has not been reported in the literature in individuals affected with NR2E3-related conditions. ClinVar contains an entry for this variant (Variation ID: 966185). Invitae Evidence Modeling of protein sequence and biophysical properties (such as structural, functional, and spatial information, amino acid conservation, physicochemical variation, residue mobility, and thermodynamic stability) has been performed for this missense variant. However, the output from this modeling did not meet the statistical confidence thresholds required to predict the impact of this variant on NR2E3 protein function. In summary, the available evidence is currently insufficient to determine the role of this variant in disease. Therefore, it has been classified as a Variant of Uncertain Significance.

Natera, Inc.
Classification: Uncertain significance for Goldmann-Favre syndrome. Last evaluated: 2020-04-17. Review status: no assertion criteria provided. Collection method: clinical testing. Allele origin: germline. Not counted in ClinVar's aggregate classification.

NM_014249.4(NR2E3):c.463C>T (p.Arg155Cys)

Gene: NR2E3 (nuclear receptor subfamily 2 group E member 3; plus strand). Cytogenetic location: 15q23.
Variant type: single nucleotide variant.
Coding change: c.463C>T on transcript NM_014249.4 (MANE Select); coding-DNA position 463, C replaced by T.
Protein change: p.Arg155Cys; replaces arginine 155 with cysteine.
Molecular consequence: missense variant.
Genome position (GRCh38, 1-based): chr15:71,812,068, C>T. VCF-style: chr15-71812068-C-T. GRCh37 (hg19) VCF-style: chr15-72104408-C-T.
Other names: c.463C>T, p.Arg155Cys (NM_016346.4); short protein forms R155C.
Identifiers: ClinVar variation 966185 (VCV000966185.9), dbSNP rs376858072, ClinGen allele CA7640316.
Genomic context (GRCh38, chr15:71,812,068, plus strand): 5'-ATGGAGTCCAACACTGAGTCCCGGCCGGAGTCCCTGGTGGCTCCCCCGGCCCCGGCAGGG[C>T]GCAGCCCACGGGGCCCCACACCCATGTCTGCAGCCAGAGCCCTGGGCCACCACTTCATGG-3'
Protein context (NP_055064.1, residues 145-165): SLVAPPAPAG[Arg155Cys]SPRGPTPMSA